The following is an entry in ClinVar:

NM_004608.4(TBX6):c.913+3G>A

Gene: TBX6 (T-box transcription factor 6; minus strand). Cytogenetic location: 16p11.2.
Variant type: single nucleotide variant.
Coding change: c.913+3G>A on transcript NM_004608.4 (MANE Select); 3 bases into the intron after coding-DNA position 913, G replaced by A.
Molecular consequence: intron variant.
Genome position (GRCh38, 1-based): chr16:30,086,775, C>T on the plus strand (G>A on the coding strand, the complement: TBX6 is on the minus strand). VCF-style: chr16-30086775-C-T. GRCh37 (hg19) VCF-style: chr16-30098096-C-T.
Identifiers: ClinVar variation 2849243 (VCV002849243.3), dbSNP rs765786087, ClinGen allele CA8001744.

ClinVar aggregate classification (germline): Uncertain significance (1 of 4 stars; one submission).

Allele frequency attached by ClinVar (database versions not stated): gnomAD exomes below 0.00001; TOPMed below 0.00001; ExAC 0.00001.
gnomAD v4.1: 4 of 1,613,982 alleles (0.00025%); highest among the groups gnomAD compares: Non-Finnish European, 0.00034%; no homozygotes.

Submission:

Labcorp Genetics (formerly Invitae), Labcorp
Classification: Uncertain significance. Last evaluated: 2022-11-02. Review status: criteria provided, single submitter. Criteria: Invitae Variant Classification Sherloc (09022015). Collection method: clinical testing. Allele origin: germline.
Comment: This sequence change falls in intron 7 of the TBX6 gene. It does not directly change the encoded amino acid sequence of the TBX6 protein. It affects a nucleotide within the consensus splice site. This variant is present in population databases (rs765786087, gnomAD 0.0009%). This variant has not been reported in the literature in individuals affected with TBX6-related conditions. Variants that disrupt the consensus splice site are a relatively common cause of aberrant splicing (PMID: 17576681, 9536098). Algorithms developed to predict the effect of sequence changes on RNA splicing suggest that this variant is not likely to affect RNA splicing. In summary, the available evidence is currently insufficient to determine the role of this variant in disease. Therefore, it has been classified as a Variant of Uncertain Significance.

Literature cited by the submitters: PubMed 17576681; PubMed 9536098.